The following is an entry in ClinVar:

NM_025074.7(FRAS1):c.1783G>A (p.Gly595Ser)

Gene: FRAS1 (Fraser extracellular matrix complex subunit 1; plus strand). Cytogenetic location: 4q21.21.
Variant type: single nucleotide variant.
Coding change: c.1783G>A on transcript NM_025074.7 (MANE Select); coding-DNA position 1783, G replaced by A.
Protein change: p.Gly595Ser; replaces glycine 595 with serine.
Molecular consequence: missense variant.
Genome position (GRCh38, 1-based): chr4:78,315,698, G>A. VCF-style: chr4-78315698-G-A. GRCh37 (hg19) VCF-style: chr4-79236852-G-A.
Other names: c.1783G>A, p.Gly595Ser (NM_001166133.2); short protein forms G595S.
Identifiers: ClinVar variation 349685 (VCV000349685.46), dbSNP rs149843493, ClinGen allele CA2976424.

ClinVar aggregate classification (germline): Conflicting classifications of pathogenicity. Review status: criteria provided, conflicting classifications (1 of 4 stars). 8 submissions from 8 submitters: Uncertain significance (1); Likely benign (3). 4 of the submissions do not count toward it. Last evaluated 2026-01-25.

Conditions:
FRAS1-related disorder. Also called: FRAS1-related condition.
Fraser syndrome 1 (FRASRS1). Also called: CRYPTOPHTHALMOS WITH OTHER MALFORMATIONS. Identifiers: Orphanet 2052, MedGen C4551480, MONDO:0054737, OMIM 219000.

Allele frequency attached by ClinVar (database versions not stated): 1000 Genomes Project 30x 0.00016; 1000 Genomes Project 0.00020; TOPMed 0.00057; ExAC 0.00060; gnomAD exomes 0.00063 and 0.00071; gnomAD 0.00070; ESP Exome Variant Server 0.00089.
gnomAD v4.1: 1,144 of 1,614,020 alleles (0.071%); highest among the groups gnomAD compares: Non-Finnish European, 0.083%; 2 homozygotes.

Submissions (8):

Labcorp Genetics (formerly Invitae), Labcorp
Classification: Likely benign. Last evaluated: 2026-01-25. Review status: criteria provided, single submitter. Criteria: Invitae Variant Classification Sherloc (09022015). Collection method: clinical testing. Allele origin: germline.

Fulgent Genetics
Classification: Likely benign for Fraser syndrome 1. Last evaluated: 2024-03-25. Review status: criteria provided, single submitter. Criteria: ACMG Guidelines, 2015. Collection method: clinical testing. Allele origin: germline.

CeGaT Center for Human Genetics Tuebingen
Classification: Likely benign. Last evaluated: 2023-06-01. Review status: criteria provided, single submitter. Criteria: CeGaT Center For Human Genetics Tuebingen Variant Classification Criteria Version 2. Collection method: clinical testing. Allele origin: germline. Affected: yes. Observed: 1 variant allele.
Comment: FRAS1: BP4

Illumina Laboratory Services, Illumina
Classification: Uncertain significance for Fraser syndrome 1. Last evaluated: 2018-01-13. Review status: criteria provided, single submitter. Criteria: ICSL Variant Classification Criteria 13 December 2019. Collection method: clinical testing. Allele origin: germline.

PreventionGenetics, part of Exact Sciences
Classification: Likely benign for FRAS1-related condition. Last evaluated: 2022-02-28. Review status: no assertion criteria provided. Collection method: clinical testing. Allele origin: germline. Not counted in ClinVar's aggregate classification.
Comment: This variant is classified as likely benign based on ACMG/AMP sequence variant interpretation guidelines (Richards et al. 2015 PMID: 25741868, with internal and published modifications).

Clinical Genetics DNA and cytogenetics Diagnostics Lab, Erasmus MC, Erasmus Medical Center
Classification: Likely benign. Review status: no assertion criteria provided. Collection method: clinical testing. Allele origin: germline. Affected: yes. Study: VKGL Data-share Consensus. Not counted in ClinVar's aggregate classification.

Department of Pathology and Laboratory Medicine, Sinai Health System
Classification: Uncertain significance. Review status: no assertion criteria provided. Collection method: clinical testing. Allele origin: unknown. Affected: yes. Study: The Canadian Open Genetics Repository (COGR). Not counted in ClinVar's aggregate classification.

Laboratory of Diagnostic Genome Analysis, Leiden University Medical Center (LUMC)
Classification: Likely benign. Review status: no assertion criteria provided. Collection method: clinical testing. Allele origin: germline. Affected: yes. Study: VKGL Data-share Consensus. Not counted in ClinVar's aggregate classification.